The following is an entry in ClinVar:

ClinVar aggregate classification (germline): Uncertain significance. Review status: criteria provided, multiple submitters, no conflicts (2 of 4 stars). 2 submissions from 2 submitters: Uncertain significance (2). Last evaluated 2024-08-13.

Conditions:
Cardiomyopathy (CMYO). Also called: Cardiomyopathies. Identifiers: Orphanet 167848, MedGen C0878544, MONDO:0004994, HP:0001638. Inheritance: Various modes of inheritance.
Catecholaminergic polymorphic ventricular tachycardia 1. Also called: VENTRICULAR TACHYCARDIA, CATECHOLAMINERGIC POLYMORPHIC, 1, WITH OR WITHOUT ATRIAL DYSFUNCTION AND/OR DILATED CARDIOMYOPATHY; RYR2-Related Catecholaminergic Polymorphic Ventricular Tachycardia; VENTRICULAR TACHYCARDIA, STRESS-INDUCED POLYMORPHIC 1. Identifiers: Orphanet 3286, MedGen C1631597, MONDO:0011484, OMIM 604772.

Allele frequency attached by ClinVar (database versions not stated): gnomAD exomes below 0.00001.
gnomAD v4.1: 2 of 1,613,248 alleles (0.00012%); highest among the groups gnomAD compares: South Asian, 0.0011%; no homozygotes.

Submissions (2):

Labcorp Genetics (formerly Invitae), Labcorp
Classification: Uncertain significance for Catecholaminergic polymorphic ventricular tachycardia 1. Last evaluated: 2024-08-13. Review status: criteria provided, single submitter. Criteria: Invitae Variant Classification Sherloc (09022015). Collection method: clinical testing. Allele origin: germline.
Comment: This sequence change replaces glycine, which is neutral and non-polar, with arginine, which is basic and polar, at codon 1516 of the RYR2 protein (p.Gly1516Arg). This variant is present in population databases (no rsID available, gnomAD 0.003%). This variant has not been reported in the literature in individuals affected with RYR2-related conditions. ClinVar contains an entry for this variant (Variation ID: 921694). Invitae Evidence Modeling of protein sequence and biophysical properties (such as structural, functional, and spatial information, amino acid conservation, physicochemical variation, residue mobility, and thermodynamic stability) has been performed for this missense variant. However, the output from this modeling did not meet the statistical confidence thresholds required to predict the impact of this variant on RYR2 protein function. In summary, the available evidence is currently insufficient to determine the role of this variant in disease. Therefore, it has been classified as a Variant of Uncertain Significance.

Color Diagnostics, LLC DBA Color Health
Classification: Uncertain significance for Cardiomyopathy. Last evaluated: 2024-03-06. Review status: criteria provided, single submitter. Criteria: ACMG Guidelines, 2015. Collection method: clinical testing. Allele origin: germline.
Comment: This missense variant replaces glycine with arginine at codon 1516 of the RYR2 protein. Computational prediction suggests that this variant may have deleterious impact on protein structure and function (internally defined REVEL score threshold >= 0.7, PMID: 27666373). To our knowledge, functional studies have not been reported for this variant. This variant has not been reported in individuals affected with cardiovascular disorders in the literature. This variant has been identified in 1/248002 chromosomes in the general population by the Genome Aggregation Database (gnomAD). The available evidence is insufficient to determine the role of this variant in disease conclusively. Therefore, this variant is classified as a Variant of Uncertain Significance.

NM_001035.3(RYR2):c.4546G>A (p.Gly1516Arg)

Gene: RYR2 (ryanodine receptor 2; plus strand). Cytogenetic location: 1q43.
Variant type: single nucleotide variant.
Coding change: c.4546G>A on transcript NM_001035.3 (MANE Select); coding-DNA position 4546, G replaced by A.
Protein change: p.Gly1516Arg; replaces glycine 1516 with arginine.
Molecular consequence: missense variant.
Genome position (GRCh38, 1-based): chr1:237,595,607, G>A. VCF-style: chr1-237595607-G-A. GRCh37 (hg19) VCF-style: chr1-237758907-G-A.
Other names: short protein forms G1516R.
Identifiers: ClinVar variation 921694 (VCV000921694.6), dbSNP rs1287904079, ClinGen allele CA345400601.